The following is an entry in ClinVar:

NC_000002.11:g.(?_15467854)_(15608677_?)del

Gene: NBAS (NBAS subunit of NRZ tethering complex; minus strand). Cytogenetic location: 2p24.3.
Variant type: Deletion.
Identifiers: ClinVar variation 2426225 (VCV002426225.4).

ClinVar aggregate classification (germline): Pathogenic (1 of 4 stars; one submission).

Submission:

Labcorp Genetics (formerly Invitae), Labcorp
Classification: Pathogenic. Last evaluated: 2022-06-18. Review status: criteria provided, single submitter. Criteria: Invitae Variant Classification Sherloc (09022015). Collection method: clinical testing. Allele origin: germline.
Comment: For these reasons, this variant has been classified as Pathogenic. This variant has not been reported in the literature in individuals affected with NBAS-related conditions. This variant is a gross deletion of the genomic region encompassing exon(s) 17-38 of the NBAS gene. This deletion is out-of-frame, and is expected to create a premature termination codon and result in an absent or disrupted protein product. Loss-of-function variants in NBAS are known to be pathogenic (PMID: 26073778, 26541327, 27789416, 28031453).

Literature cited by the submitters: PubMed 26073778; PubMed 26541327; PubMed 27789416; PubMed 28031453.